The following is an entry in ClinVar:

ClinVar aggregate classification (germline): Uncertain significance (1 of 4 stars; one submission).

Conditions:
Autosomal recessive mendelian susceptibility to mycobacterial diseases due to complete RORgamma receptor deficiency. Also called: Immunodeficiency 42. Identifiers: Orphanet 477857, MedGen C5567647, MONDO:0014710, OMIM 616622.

gnomAD v4.1: 1 of 1,614,142 alleles (0.000062%); highest among the groups gnomAD compares: Admixed American, 0.0017%; no homozygotes.

Submission:

Labcorp Genetics (formerly Invitae), Labcorp
Classification: Uncertain significance for Autosomal recessive mendelian susceptibility to mycobacterial diseases due to complete RORgamma receptor deficiency. Last evaluated: 2024-08-17. Review status: criteria provided, single submitter. Criteria: Invitae Variant Classification Sherloc (09022015). Collection method: clinical testing. Allele origin: germline.
Comment: This sequence change replaces cysteine, which is neutral and slightly polar, with glycine, which is neutral and non-polar, at codon 200 of the RORC protein (p.Cys200Gly). This variant is present in population databases (rs375293231, gnomAD 0.003%). This variant has not been reported in the literature in individuals affected with RORC-related conditions. An algorithm developed to predict the effect of missense changes on protein structure and function (PolyPhen-2) suggests that this variant is likely to be tolerated. In summary, the available evidence is currently insufficient to determine the role of this variant in disease. Therefore, it has been classified as a Variant of Uncertain Significance.

NM_005060.4(RORC):c.598T>G (p.Cys200Gly)

Gene: RORC (RAR related orphan receptor C; minus strand). Cytogenetic location: 1q21.3.
Variant type: single nucleotide variant.
Coding change: c.598T>G on transcript NM_005060.4 (MANE Select); coding-DNA position 598, T replaced by G.
Protein change: p.Cys200Gly; replaces cysteine 200 with glycine.
Molecular consequence: missense variant.
Genome position (GRCh38, 1-based): chr1:151,815,126, A>C on the plus strand (T>G on the coding strand, the complement: RORC is on the minus strand). VCF-style: chr1-151815126-A-C. GRCh37 (hg19) VCF-style: chr1-151787602-A-C.
Other names: c.535T>G, p.Cys179Gly (NM_001001523.2); short protein forms C200G, C179G.
Identifiers: ClinVar variation 3718733 (VCV003718733.2).